The following is an entry in ClinVar:

ClinVar aggregate classification (germline): Benign/Likely benign. Review status: criteria provided, multiple submitters, no conflicts (2 of 4 stars). 4 submissions from 4 submitters: Benign (3); Likely benign (1). Last evaluated 2026-01-28.

Allele frequency attached by ClinVar (database versions not stated): gnomAD 0.00049 and 0.00078; TOPMed 0.00109; ExAC 0.00178; gnomAD exomes 0.00179; 1000 Genomes Project 30x 0.00406; 1000 Genomes Project 0.00419.

Submissions (4):

Labcorp Genetics (formerly Invitae), Labcorp
Classification: Benign. Last evaluated: 2026-01-28. Review status: criteria provided, single submitter. Criteria: Invitae Variant Classification Sherloc (09022015). Collection method: clinical testing. Allele origin: germline.

Mayo Clinic Laboratories, Mayo Clinic
Classification: Benign. Last evaluated: 2025-02-04. Review status: criteria provided, single submitter. Criteria: ACMG Guidelines, 2015. Collection method: clinical testing. Allele origin: germline. Observed: 2 variant alleles.
Comment: BS1, BS2, BP4

Blueprint Genetics
Classification: Likely benign. Last evaluated: 2024-11-07. Review status: criteria provided, single submitter. Criteria: ACMG Guidelines, 2015. Collection method: clinical testing. Allele origin: germline.

Breakthrough Genomics
Classification: Benign. Review status: criteria provided, single submitter. Criteria: ACMG Guidelines, 2015. Collection method: not provided. Allele origin: germline. Inheritance: Autosomal recessive inheritance. Affected: yes.

NM_004750.5(CRLF1):c.311A>G (p.Asn104Ser)

Gene: CRLF1 (cytokine receptor like factor 1; minus strand). Cytogenetic location: 19p13.11.
Variant type: single nucleotide variant.
Coding change: c.311A>G on transcript NM_004750.5 (MANE Select); coding-DNA position 311, A replaced by G.
Protein change: p.Asn104Ser; replaces asparagine 104 with serine.
Molecular consequence: missense variant.
Genome position (GRCh38, 1-based): chr19:18,599,651, T>C on the plus strand (A>G on the coding strand, the complement: CRLF1 is on the minus strand). VCF-style: chr19-18599651-T-C. GRCh37 (hg19) VCF-style: chr19-18710461-T-C.
Other names: p.Asn104Ser; short protein forms N104S.
Identifiers: ClinVar variation 738541 (VCV000738541.12), dbSNP rs117193413, ClinGen allele CA9314285.
Genomic context (GRCh38, chr19:18,599,651, plus strand): 5'-AGGATGCTGCCGTCACGGGCGTGGCACACGAGGTTGTCCCCCGACCGCTGCCTGGACCCA[T>C]TGAGGTTGGCCAGGGCCAGAGCCAAGGTGGAGGCGTTGAGTACACGGGAGAGCTCAGGGG-3'
Protein context (NP_004741.1, residues 94-114): STLALALANL[Asn104Ser]GSRQRSGDNL